The following is an entry in ClinVar:

ClinVar aggregate classification (germline): Uncertain significance (1 of 4 stars; one submission).

Conditions:
Emery-Dreifuss muscular dystrophy 5, autosomal dominant (EDMD5). Also called: EMERY-DREIFUSS MUSCULAR DYSTROPHY 5. Identifiers: Orphanet 261, MedGen C2751805, MONDO:0013072, OMIM 612999.

Submission:

Labcorp Genetics (formerly Invitae), Labcorp
Classification: Uncertain significance for Emery-Dreifuss muscular dystrophy 5, autosomal dominant. Last evaluated: 2025-07-21. Review status: criteria provided, single submitter. Criteria: Invitae Variant Classification Sherloc (09022015). Collection method: clinical testing. Allele origin: germline.
Comment: This sequence change replaces serine, which is neutral and polar, with asparagine, which is neutral and polar, at codon 4546 of the SYNE2 protein (p.Ser4546Asn). This variant is not present in population databases (gnomAD no frequency). This variant has not been reported in the literature in individuals affected with SYNE2-related conditions. An algorithm developed to predict the effect of missense changes on protein structure and function outputs the following: PolyPhen-2: "Possibly Damaging". The asparagine amino acid residue is found in multiple mammalian species, which suggests that this missense change does not adversely affect protein function. In summary, the available evidence is currently insufficient to determine the role of this variant in disease. Therefore, it has been classified as a Variant of Uncertain Significance.

NM_182914.3(SYNE2):c.13637G>A (p.Ser4546Asn)

Gene: SYNE2 (spectrin repeat containing nuclear envelope protein 2; plus strand). Cytogenetic location: 14q23.2.
Variant type: single nucleotide variant.
Coding change: c.13637G>A on transcript NM_182914.3 (MANE Select); coding-DNA position 13637, G replaced by A.
Protein change: p.Ser4546Asn; replaces serine 4546 with asparagine.
Molecular consequence: missense variant.
Genome position (GRCh38, 1-based): chr14:64,126,409, G>A. VCF-style: chr14-64126409-G-A. GRCh37 (hg19) VCF-style: chr14-64593127-G-A.
Other names: c.13637G>A, p.Ser4546Asn (NM_015180.6); short protein forms S4546N.
Identifiers: ClinVar variation 4723665 (VCV004723665.1).